The following is an entry in ClinVar:

ClinVar aggregate classification (germline): Uncertain significance (1 of 4 stars; one submission).

Submission:

Labcorp Genetics (formerly Invitae), Labcorp
Classification: Uncertain significance. Last evaluated: 2026-01-06. Review status: criteria provided, single submitter. Criteria: Invitae Variant Classification Sherloc (09022015). Collection method: clinical testing. Allele origin: germline.
Comment: This sequence change replaces histidine, which is basic and polar, with tyrosine, which is neutral and polar, at codon 361 of the KLF1 protein (p.His361Tyr). This variant is not present in population databases (gnomAD no frequency). This variant has not been reported in the literature in individuals affected with KLF1-related conditions. Invitae Evidence Modeling of protein sequence and biophysical properties (such as structural, functional, and spatial information, amino acid conservation, physicochemical variation, residue mobility, and thermodynamic stability) indicates that this missense variant is expected to disrupt KLF1 protein function with a positive predictive value of 80%. In summary, the available evidence is currently insufficient to determine the role of this variant in disease. Therefore, it has been classified as a Variant of Uncertain Significance.

NM_006563.5(KLF1):c.1081C>T (p.His361Tyr)

Gene: KLF1 (KLF transcription factor 1; minus strand). Cytogenetic location: 19p13.13.
Variant type: single nucleotide variant.
Coding change: c.1081C>T on transcript NM_006563.5 (MANE Select); coding-DNA position 1081, C replaced by T.
Protein change: p.His361Tyr; replaces histidine 361 with tyrosine.
Molecular consequence: missense variant.
Genome position (GRCh38, 1-based): chr19:12,884,893, G>A on the plus strand (C>T on the coding strand, the complement: KLF1 is on the minus strand). VCF-style: chr19-12884893-G-A. GRCh37 (hg19) VCF-style: chr19-12995707-G-A.
Other names: short protein forms H361Y.
Identifiers: ClinVar variation 4701176 (VCV004701176.1).
Genomic context (GRCh38, chr19:12,884,893, plus strand): 5'-GCTTCTTGTCCCATCCCCAGTCACTAGGAGAGTCCAAGTGCCAGGGCAGGGCTCAAAGGT[G>A]GCGCTTCATGTGCAAGGCCAGGTGGTCAGAGCGCGAAAAAGCACGTGGGCAGAGCTGGCA-3'
Protein context (NP_006554.1, residues 351-362): SDHLALHMKR[His361Tyr]L